The following is an entry in ClinVar:

ClinVar aggregate classification (germline): Uncertain significance (1 of 4 stars; one submission).

Conditions:
Bardet-Biedl syndrome (BBS). Identifiers: Orphanet 110, MedGen C0752166, MONDO:0015229.

Submission:

Labcorp Genetics (formerly Invitae), Labcorp
Classification: Uncertain significance for Bardet-Biedl syndrome. Last evaluated: 2022-09-19. Review status: criteria provided, single submitter. Criteria: Invitae Variant Classification Sherloc (09022015). Collection method: clinical testing. Allele origin: germline.
Comment: This variant has not been reported in the literature in individuals affected with WDPCP-related conditions. Advanced modeling of protein sequence and biophysical properties (such as structural, functional, and spatial information, amino acid conservation, physicochemical variation, residue mobility, and thermodynamic stability) performed at Invitae indicates that this missense variant is expected to disrupt WDPCP protein function. In summary, the available evidence is currently insufficient to determine the role of this variant in disease. Therefore, it has been classified as a Variant of Uncertain Significance. This variant is not present in population databases (gnomAD no frequency). This sequence change replaces isoleucine, which is neutral and non-polar, with serine, which is neutral and polar, at codon 606 of the WDPCP protein (p.Ile606Ser).

NM_015910.7(WDPCP):c.1817T>G (p.Ile606Ser)

Gene: WDPCP (WD repeat containing planar cell polarity effector; minus strand). Cytogenetic location: 2p15.
Variant type: single nucleotide variant.
Coding change: c.1817T>G on transcript NM_015910.7 (MANE Select); coding-DNA position 1817, T replaced by G.
Protein change: p.Ile606Ser; replaces isoleucine 606 with serine.
Molecular consequence: missense variant. On other transcripts: non-coding transcript variant (2).
Genome position (GRCh38, 1-based): chr2:63,259,405, A>C on the plus strand (T>G on the coding strand, the complement: WDPCP is on the minus strand). VCF-style: chr2-63259405-A-C. GRCh37 (hg19) VCF-style: chr2-63486540-A-C.
Other names: c.1340T>G, p.Ile447Ser (NM_001042692.3); c.1745T>G, p.Ile582Ser (NM_001354044.2); short protein forms I582S, I606S, I447S.
Identifiers: ClinVar variation 2190600 (VCV002190600.4), dbSNP rs1681422238, ClinGen allele CA347062556.
Genomic context (GRCh38, chr2:63,259,405, plus strand): 5'-GCTCTTTTTCTTGCCACTTCAGCTAGTGCCAATTCACCTTTATCTAGTGCAAGGTAATGA[A>C]TATCCTGAGGAAATAAAGCAAAATAAAAGATTGATTCAAAATGAACCTTGCCCAAGTTAC-3'
Protein context (NP_056994.3, residues 596-616): DVGARDLFMD[Ile606Ser]HYLALDKGEL